The following is an entry in ClinVar:

NM_001039876.3(SYNE4):c.377del (p.Gly126fs)

Gene: SYNE4 (spectrin repeat containing nuclear envelope family member 4; minus strand). Cytogenetic location: 19q13.12.
Variant type: Deletion.
Coding change: c.377del on transcript NM_001039876.3 (MANE Select); coding-DNA position 377, one base deleted (G; older notation c.377delG).
Protein change: p.Gly126fs; shifts the reading frame from glycine 126.
Molecular consequence: frameshift variant. On other transcripts: intron variant (1).
Genome position (GRCh38, 1-based): chr19:36,007,171, C deleted on the plus strand (G on the coding strand, the reverse complement: SYNE4 is on the minus strand); the first of 2 consecutive C bases (chr19:36,007,171-36,007,172); deleting either gives the same sequence. VCF-style (leftmost placement, unchanged base first): chr19-36007170-GC-G. GRCh37 (hg19) VCF-style: chr19-36498072-GC-G.
Other names: c.280-500del (NM_001297735.3); short protein forms G126fs.
Identifiers: ClinVar variation 1723402 (VCV001723402.2), dbSNP rs2514041516, ClinGen allele CA2580096946.

ClinVar aggregate classification (germline): Likely pathogenic. Review status: criteria provided, multiple submitters, no conflicts (2 of 4 stars). 2 submissions from 2 submitters: Likely pathogenic (2). Last evaluated 2024-05-18.

Conditions:
Autosomal recessive nonsyndromic hearing loss 76. Also called: Deafness, autosomal recessive 76. Identifiers: Orphanet 90636, MedGen C3147083, MONDO:0014237, OMIM 615540.
Nonsyndromic genetic hearing loss. Also called: Non-syndromic genetic deafness; Nonsyndromic hearing loss and deafness; Nonsyndromic genetic deafness. Identifiers: Orphanet 87884, MedGen C5680182, MONDO:0019497.

Submissions (2):

Fulgent Genetics
Classification: Likely pathogenic for Autosomal recessive nonsyndromic hearing loss 76. Last evaluated: 2024-05-18. Review status: criteria provided, single submitter. Criteria: ACMG Guidelines, 2015. Collection method: clinical testing. Allele origin: germline.

Women's Health and Genetics/Laboratory Corporation of America, LabCorp
Classification: Likely pathogenic for Nonsyndromic genetic hearing loss. Last evaluated: 2022-10-28. Review status: criteria provided, single submitter. Criteria: LabCorp Variant Classification Summary - May 2015. Collection method: clinical testing. Allele origin: germline.
Comment: Variant summary: SYNE4 c.377delG (p.Gly126AlafsX33) results in a premature termination codon, predicted to cause a truncation of the encoded protein or absence of the protein due to nonsense mediated decay. While relatviely few mutations have been reported in this gene, one truncation has been reported in the homozygous state in multiple families with progressive high-frequency hearing loss (Horn_2013). The variant was absent in 205424 control chromosomes. To our knowledge, no occurrence of c.377delG in individuals affected with Nonsyndromic Hearing Loss And Deafness, Type 76 and no experimental evidence demonstrating its impact on protein function have been reported. No clinical diagnostic laboratories have submitted clinical-significance assessments for this variant to ClinVar after 2014. Based on the evidence outlined above, the variant was classified as likely pathogenic.